The following is an entry in ClinVar:

ClinVar aggregate classification (germline): Uncertain significance. Review status: criteria provided, single submitter (1 of 4 stars). 2 submissions from 2 submitters: Uncertain significance (1). 1 of the submissions does not count toward it. Last evaluated 2025-03-30.

Conditions:
SETX-related disorder. Also called: SETX-related condition; SETX-related disorders. Identifiers: MedGen CN239403.

gnomAD v4.1: 14 of 1,613,992 alleles (0.00087%); highest among the groups gnomAD compares: Non-Finnish European, 0.0012%; no homozygotes.

Submissions (2):

PreventionGenetics, part of Exact Sciences
Classification: Uncertain significance for SETX-related condition. Last evaluated: 2025-03-30. Review status: criteria provided, single submitter. Criteria: ACMG Guidelines, 2015. Collection method: clinical testing. Allele origin: germline.
Comment: The SETX c.7432A>C variant is predicted to result in the amino acid substitution p.Thr2478Pro. To our knowledge, this variant has not been reported in the literature. This variant is reported in 0.00088% of alleles in individuals of European (Non-Finnish) descent in gnomAD. At this time, the clinical significance of this variant is uncertain due to the absence of conclusive functional and genetic evidence.

Northcott Neuroscience Laboratory, ANZAC Research Institute
Classification: Benign. Review status: no assertion criteria provided. Collection method: not provided. Allele origin: unknown. Not counted in ClinVar's aggregate classification.
Comment: HMN
ClinVar note: Converted during submission from non-pathogenic to Benign.

NM_015046.7(SETX):c.7432A>C (p.Thr2478Pro)

Gene: SETX (senataxin; minus strand). Cytogenetic location: 9q34.13.
Variant type: single nucleotide variant.
Coding change: c.7432A>C on transcript NM_015046.7 (MANE Select); coding-DNA position 7432, A replaced by C.
Protein change: p.Thr2478Pro; replaces threonine 2478 with proline.
Molecular consequence: missense variant.
Genome position (GRCh38, 1-based): chr9:132,264,841, T>G on the plus strand (A>C on the coding strand, the complement: SETX is on the minus strand). VCF-style: chr9-132264841-T-G. GRCh37 (hg19) VCF-style: chr9-135140228-T-G.
Other names: c.7432A>C, p.Thr2478Pro (NM_001351527.2); c.7519A>C, p.Thr2507Pro (NM_001351528.2); short protein forms T2478P, T2507P.
Identifiers: ClinVar variation 155747 (VCV000155747.3), dbSNP rs142303658, ClinGen allele CA233105.